The following is an entry in ClinVar:

NM_001458.5(FLNC):c.2084G>A (p.Arg695His)

Gene: FLNC (filamin C; plus strand). Cytogenetic location: 7q32.1.
Variant type: single nucleotide variant.
Coding change: c.2084G>A on transcript NM_001458.5 (MANE Select); coding-DNA position 2084, G replaced by A.
Protein change: p.Arg695His; replaces arginine 695 with histidine.
Molecular consequence: missense variant.
Genome position (GRCh38, 1-based): chr7:128,841,530, G>A. VCF-style: chr7-128841530-G-A. GRCh37 (hg19) VCF-style: chr7-128481584-G-A.
Other names: c.2084G>A, p.Arg695His (NM_001127487.2); short protein forms R695H.
Identifiers: ClinVar variation 951366 (VCV000951366.11), dbSNP rs766592492, ClinGen allele CA4474586.

ClinVar aggregate classification (germline): Conflicting classifications of pathogenicity. Review status: criteria provided, conflicting classifications (1 of 4 stars). 4 submissions from 4 submitters: Uncertain significance (3); Likely benign (1). Last evaluated 2025-09-23.

Conditions:
Myofibrillar myopathy 5. Also called: FILAMINOPATHY, AUTOSOMAL DOMINANT; Filaminopathy (type). Identifiers: Orphanet 171445, MedGen C1836050, MONDO:0012289, OMIM 609524.
Distal myopathy with posterior leg and anterior hand involvement. Also called: WILLIAMS DISTAL MYOPATHY. Identifiers: Orphanet 63273, MedGen C3279722, MONDO:0013550, OMIM 614065.
Hypertrophic cardiomyopathy 26. Also called: Cardiomyopathy, familial hypertrophic, 26. Identifiers: Orphanet 75249, MedGen C4310749, MONDO:0014883, OMIM 617047.
Cardiomyopathy (CMYO). Also called: Cardiomyopathies. Identifiers: Orphanet 167848, MedGen C0878544, MONDO:0004994, HP:0001638. Inheritance: Various modes of inheritance.
Cardiovascular phenotype. Identifiers: MedGen CN230736.

Allele frequency attached by ClinVar (database versions not stated): TOPMed 0.00001; ExAC 0.00002.
gnomAD v4.1: 17 of 1,614,020 alleles (0.0011%); highest among the groups gnomAD compares: South Asian, 0.012%; 2 homozygotes.

Submissions (4):

Ambry Genetics
Classification: Uncertain significance for Cardiovascular phenotype. Last evaluated: 2025-09-23. Review status: criteria provided, single submitter. Criteria: Ambry Variant Classification Scheme 2023. Collection method: clinical testing. Allele origin: germline.
Comment: The p.R695H variant (also known as c.2084G>A), located in coding exon 13 of the FLNC gene, results from a G to A substitution at nucleotide position 2084. The arginine at codon 695 is replaced by histidine, an amino acid with highly similar properties. This variant was reported in individual(s) with features consistent with hypertrophic cardiomyopathy (HCM) (Verdonschot JAJ et al. Hum Mutat, 2020 Jun;41:1091-1111). This amino acid position is well conserved in available vertebrate species. In addition, the in silico prediction for this alteration is inconclusive. Based on the available evidence, the clinical significance of this variant remains unclear.

Labcorp Genetics (formerly Invitae), Labcorp
Classification: Likely benign for Distal myopathy with posterior leg and anterior hand involvement; Myofibrillar myopathy 5; Hypertrophic cardiomyopathy 26. Last evaluated: 2025-04-11. Review status: criteria provided, single submitter. Criteria: Invitae Variant Classification Sherloc (09022015). Collection method: clinical testing. Allele origin: germline.

Fulgent Genetics
Classification: Uncertain significance for Myofibrillar myopathy 5; Distal myopathy with posterior leg and anterior hand involvement; Hypertrophic cardiomyopathy 26. Last evaluated: 2024-04-12. Review status: criteria provided, single submitter. Criteria: ACMG Guidelines, 2015. Collection method: clinical testing. Allele origin: germline.

CHEO Genetics Diagnostic Laboratory, Children's Hospital of Eastern Ontario
Classification: Uncertain significance for Cardiomyopathy. Last evaluated: 2022-10-28. Review status: criteria provided, single submitter. Criteria: ACMG Guidelines, 2015. Collection method: clinical testing. Allele origin: germline.

Literature cited by the submitters: PubMed 32112656 (cited by Ambry Genetics).